The following is an entry in ClinVar:

ClinVar aggregate classification (germline): Conflicting classifications of pathogenicity. Review status: criteria provided, conflicting classifications (1 of 4 stars). 4 submissions from 4 submitters: Pathogenic (1); Likely pathogenic (2); Likely benign (1). Last evaluated 2025-08-21.

Conditions:
Zygodactyly type 1. Identifiers: Orphanet 295187, Orphanet 93402, MedGen C1853294, MONDO:0012351, OMIM 609815.
Neuronopathy, distal hereditary motor, autosomal recessive 7. Also called: NEUROPATHY, HEREDITARY MOTOR, WITH MYOPATHIC FEATURES; NEUROPATHY, DISTAL HEREDITARY MOTOR, AUTOSOMAL RECESSIVE 7. Identifiers: MedGen C5543119, MONDO:0030977, OMIM 619216.

Allele frequency attached by ClinVar (database versions not stated): 1000 Genomes Project 0.00040; 1000 Genomes Project 30x 0.00031.

Submissions (4):

Ambry Genetics
Classification: Likely benign. Last evaluated: 2025-08-21. Review status: criteria provided, single submitter. Criteria: Ambry Variant Classification Scheme 2023. Collection method: clinical testing. Allele origin: germline.

First Genomix Gene Laboratory, Genetic Diagnostics Department
Classification: Likely pathogenic for Neuronopathy, distal hereditary motor, autosomal recessive 7. Last evaluated: 2025-05-22. Review status: criteria provided, single submitter. Criteria: ACMG Guidelines, 2015. Collection method: clinical testing. Allele origin: germline. Inheritance: Autosomal recessive inheritance. Affected: no. Observed: 1 variant allele.

3billion
Classification: Likely pathogenic for Neuronopathy, distal hereditary motor, autosomal recessive 7. Review status: criteria provided, single submitter. Criteria: ACMG Guidelines, 2015. Collection method: clinical testing. Allele origin: unknown. Affected: yes. Observed: 1 heterozygote.
Comment: The variant is observed at an extremely low frequency in the gnomAD v2.1.1 dataset (total allele frequency: 0.027%). The variant is predicted to result in a loss or disruption of normal protein function through nonsense-mediated decay (NMD) or protein truncation. Multiple pathogenic variants are reported downstream of the variant. Therefore, this variant is classified as Likely pathogenic according to the recommendation of ACMG/AMP guideline.

Dr. Orhan Ocalgiray Molecular Biology-Biotechnology and Genetics Research Centre (MOBGAM), Istanbul Technical University
Classification: Pathogenic for Zygodactyly type 1. Review status: criteria provided, single submitter. Criteria: ACMG Guidelines, 2015. Collection method: research. Allele origin: germline. Inheritance: Autosomal dominant inheritance. Affected: yes.
Comment: rs572587594 (c.163C>T p.Arg55*) is found in a Pakistani family and segregated with dominant inheritance with reduced penetrance with ZD1. Variant has a frequency 0.001833 in SAS (167/91084 alleles) which is very rare.

NM_022834.5(VWA1):c.558C>T (p.Ala186=)

Gene: VWA1 (von Willebrand factor A domain containing 1; plus strand). Cytogenetic location: 1p36.33.
Variant type: single nucleotide variant.
Coding change: c.558C>T on transcript NM_022834.5 (MANE Select); coding-DNA position 558, C replaced by T.
Protein change: p.Ala186=; no amino-acid change (alanine 186 retained).
Molecular consequence: synonymous variant. On other transcripts: nonsense (1).
Genome position (GRCh38, 1-based): chr1:1,437,411, C>T. VCF-style: chr1-1437411-C-T. GRCh37 (hg19) VCF-style: chr1-1372791-C-T.
Other names: c.558C>T (NM_022834.4); c.163C>T, p.Arg55Ter (NM_199121.3); short protein forms R55*.
Identifiers: ClinVar variation 2572417 (VCV002572417.4), dbSNP rs572587594, ClinGen allele CA523163.